The following is an entry in ClinVar:

NM_004380.3(CREBBP):c.298G>C (p.Gly100Arg)

Gene: CREBBP (CREB binding lysine acetyltransferase; minus strand). Cytogenetic location: 16p13.3.
Variant type: single nucleotide variant.
Coding change: c.298G>C on transcript NM_004380.3 (MANE Select); coding-DNA position 298, G replaced by C.
Protein change: p.Gly100Arg; replaces glycine 100 with arginine.
Molecular consequence: missense variant.
Genome position (GRCh38, 1-based): chr16:3,850,797, C>G on the plus strand (G>C on the coding strand, the complement: CREBBP is on the minus strand). VCF-style: chr16-3850797-C-G. GRCh37 (hg19) VCF-style: chr16-3900798-C-G.
Other names: c.298G>C, p.Gly100Arg (NM_001079846.1); short protein forms G100R.
Identifiers: ClinVar variation 4994483 (VCV004994483.1).
Genomic context (GRCh38, chr16:3,850,797, plus strand): 5'-TGCCCATGGCACTGAGGCTGGCCATGTTAGCACTGTTCGGCTGCCCTTGAGCCTGGCCAC[C>G]CAGGCCCTGCTGCACGGGGCTGCTGGCGCTCACATTTCCTATTCCTGGGTTGATACTAGA-3'
Protein context (NP_004371.2, residues 90-110): SASSPVQQGL[Gly100Arg]GQAQGQPNSA

ClinVar aggregate classification (germline): Uncertain significance (1 of 4 stars; one submission).

Conditions:
CREBBP-related disorder. Also called: CREBBP-related disorders; CREBBP-related condition.

gnomAD v4.1: 3 of 1,614,136 alleles (0.00019%); highest among the groups gnomAD compares: Non-Finnish European, 0.00017%; no homozygotes.

Submission:

PreventionGenetics, part of Exact Sciences
Classification: Uncertain significance for CREBBP-related condition. Last evaluated: 2025-08-14. Review status: criteria provided, single submitter. Criteria: ACMG Guidelines, 2015. Collection method: clinical testing. Allele origin: germline.
Comment: The CREBBP c.298G>C variant is predicted to result in the amino acid substitution p.Gly100Arg. To our knowledge, this variant has not been reported in the literature or in a large population database (gnomAD), indicating this variant is rare. At this time, the clinical significance of this variant is uncertain due to the absence of conclusive functional and genetic evidence.